The following is an entry in ClinVar:

ClinVar aggregate classification (germline): Uncertain significance. Review status: criteria provided, multiple submitters, no conflicts (2 of 4 stars). 2 submissions from 2 submitters: Uncertain significance (2). Last evaluated 2023-12-05.

Conditions:
Familial hypercholesterolemia. Also called: Familial hypercholesterolemias; Familial hypercholesterolaemia. Identifiers: MedGen C0020445, MONDO:0005439.
Hypercholesterolemia, autosomal dominant, 3 (FHCL3). Also called: Familial hypercholesterolemia 3; Familial Hypercholesterolemia, Autosomal Dominant, 3; PCSK9-Related Familial Hypercholesterolemia, Autosomal Dominant. Identifiers: MedGen C1863551, MONDO:0011369, OMIM 603776.

Allele frequency attached by ClinVar (database versions not stated): gnomAD exomes below 0.00001; ExAC 0.00001; TOPMed 0.00001.
gnomAD v4.1: 2 of 1,610,718 alleles (0.00012%); highest among the groups gnomAD compares: East Asian, 0.0045%; no homozygotes.

Submissions (2):

Color Diagnostics, LLC DBA Color Health
Classification: Uncertain significance for Familial hypercholesterolemia. Last evaluated: 2023-12-05. Review status: criteria provided, single submitter. Criteria: ACMG Guidelines, 2015. Collection method: clinical testing. Allele origin: germline.
Comment: Variant of Uncertain Significance due to insufficient evidence: This missense variant is located in the CM2 domain of the PCSK9 protein. Computational prediction tools and conservation analyses suggest that this variant may not impact the protein function. Computational splicing tools suggest that this variant may not impact RNA splicing. To our knowledge, functional assays have not been performed for this variant nor has this variant been reported in individuals affected with familial hypercholesterolemia in the literature. This variant is rare in the general population and has been identified in 0/277264 chromosomes by the Genome Aggregation Database (gnomAD). Available evidence is insufficient to determine the pathogenicity of this variant conclusively.

All of Us Research Program, National Institutes of Health
Classification: Uncertain significance for Hypercholesterolemia, autosomal dominant, 3. Last evaluated: 2023-10-30. Review status: criteria provided, single submitter. Criteria: ACMG Guidelines, 2015. Collection method: clinical testing. Allele origin: germline. Inheritance: Autosomal dominant inheritance. Observed: 1 variant allele, 1 heterozygote.
Comment: Variant of Uncertain Significance due to insufficient evidence: This missense variant is located in the CM2 domain of the PCSK9 protein. Computational prediction tools and conservation analyses suggest that this variant may not impact the protein function. Computational splicing tools suggest that this variant may not impact RNA splicing. To our knowledge, functional assays have not been performed for this variant nor has this variant been reported in individuals affected with familial hypercholesterolemia in the literature. This variant is rare in the general population and has been identified in 0/277264 chromosomes by the Genome Aggregation Database (gnomAD). Available evidence is insufficient to determine the pathogenicity of this variant conclusively.

This study involves interpretation of variants in research participants for the purpose of population health screening. Participant phenotype was not available at the time of variant classification. Additional details can be found in publication PMID: 35346344, PMCID: PMC8962531

NM_174936.4(PCSK9):c.1735C>A (p.Leu579Met)

Gene: PCSK9 (proprotein convertase subtilisin/kexin type 9; plus strand). Cytogenetic location: 1p32.3.
Variant type: single nucleotide variant.
Coding change: c.1735C>A on transcript NM_174936.4 (MANE Select); coding-DNA position 1735, C replaced by A.
Protein change: p.Leu579Met; replaces leucine 579 with methionine.
Molecular consequence: missense variant.
Genome position (GRCh38, 1-based): chr1:55,061,428, C>A. VCF-style: chr1-55061428-C-A. GRCh37 (hg19) VCF-style: chr1-55527101-C-A.
Other names: c.1858C>A, p.Leu620Met (NM_001407240.1); c.1777C>A, p.Leu593Met (NM_001407241.1); c.1738C>A, p.Leu580Met (NM_001407242.1); c.1678C>A, p.Leu560Met (NM_001407243.1); c.1561C>A, p.Leu521Met (NM_001407244.1); c.1543C>A, p.Leu515Met (NM_001407245.1); c.1360C>A, p.Leu454Met (NM_001407246.1); c.1234C>A, p.Leu412Met (NM_001407247.1); short protein forms L579M, L454M, L515M, L521M, L560M, L620M, L593M, L412M.
Identifiers: ClinVar variation 919632 (VCV000919632.7), dbSNP rs751217094, ClinGen allele CA038697.